The following is an entry in ClinVar:

NM_000719.7(CACNA1C):c.1234_1235del (p.Arg412fs)

Gene: CACNA1C (calcium voltage-gated channel subunit alpha1 C; plus strand). Cytogenetic location: 12p13.33.
Variant type: Microsatellite.
Coding change: c.1234_1235del on transcript NM_000719.7 (MANE Select); coding-DNA positions 1234 to 1235, 2 bases deleted (AG; older notation c.1234_1235delAG).
Protein change: p.Arg412fs; shifts the reading frame from arginine 412.
Molecular consequence: frameshift variant.
Genome position (GRCh38, 1-based): chr12:2,512,828-2,512,829, AG deleted; deleting any 2 consecutive bases within chr12:2,512,824-2,512,829 gives the same sequence; the c. name uses the placement nearest the transcript's 3' end. VCF-style (leftmost placement, unchanged base first): chr12-2512823-AAG-A. GRCh37 (hg19) VCF-style: chr12-2621989-AAG-A.
Other names: c.1234_1235del, p.Arg412fs (NM_001129843.2, NM_001129846.2, NM_001167623.2 and 18 more transcripts); c.1225_1226del, p.Arg409fs (NM_001129844.2); short protein forms R409fs, R412fs.
Identifiers: ClinVar variation 3652665 (VCV003652665.2).

ClinVar aggregate classification (germline): Uncertain significance (1 of 4 stars; one submission).

Conditions:
Long QT syndrome (LQTS). Identifiers: MedGen C0023976, MeSH D008133, MONDO:0002442. Disease mechanism: loss of function. Inheritance: Various modes of inheritance.

Submission:

Labcorp Genetics (formerly Invitae), Labcorp
Classification: Uncertain significance for Long QT syndrome. Last evaluated: 2024-05-08. Review status: criteria provided, single submitter. Criteria: Invitae Variant Classification Sherloc (09022015). Collection method: clinical testing. Allele origin: germline.
Comment: This sequence change creates a premature translational stop signal (p.Arg412Glyfs*38) in the CACNA1C gene. It is expected to result in an absent or disrupted protein product. However, the current clinical and genetic evidence is not sufficient to establish whether loss-of-function variants in CACNA1C cause disease. This variant is not present in population databases (gnomAD no frequency). This premature translational stop signal has been observed in individual(s) with clinical features of CACNA1C associated conditions (Invitae). In summary, the available evidence is currently insufficient to determine the role of this variant in disease. Therefore, it has been classified as a Variant of Uncertain Significance.